The following is an entry in ClinVar:

ClinVar aggregate classification (germline): Conflicting classifications of pathogenicity. Review status: criteria provided, conflicting classifications (1 of 4 stars). 3 submissions from 3 submitters: Uncertain significance (2); Likely benign (1). Last evaluated 2024-08-01.

Conditions:
Hereditary cancer-predisposing syndrome. Also called: Hereditary neoplastic syndrome; Hereditary Cancer Syndrome; Neoplastic Syndromes, Hereditary; Tumor predisposition. Identifiers: Orphanet 140162, MedGen C0027672, MeSH D009386, MONDO:0015356.

Allele frequency attached by ClinVar (database versions not stated): gnomAD exomes below 0.00001.
gnomAD v4.1: 4 of 1,613,822 alleles (0.00025%); highest among the groups gnomAD compares: Non-Finnish European, 0.00034%; no homozygotes.

Submissions (3):

Ambry Genetics
Classification: Likely benign for Hereditary cancer-predisposing syndrome. Last evaluated: 2024-08-01. Review status: criteria provided, single submitter. Criteria: Ambry Variant Classification Scheme 2023. Collection method: clinical testing. Allele origin: germline.

Labcorp Genetics (formerly Invitae), Labcorp
Classification: Uncertain significance for Hereditary cancer-predisposing syndrome. Last evaluated: 2023-07-14. Review status: criteria provided, single submitter. Criteria: Invitae Variant Classification Sherloc (09022015). Collection method: clinical testing. Allele origin: germline.
Comment: In summary, the available evidence is currently insufficient to determine the role of this variant in disease. Therefore, it has been classified as a Variant of Uncertain Significance. Advanced modeling of protein sequence and biophysical properties (such as structural, functional, and spatial information, amino acid conservation, physicochemical variation, residue mobility, and thermodynamic stability) performed at Invitae indicates that this missense variant is not expected to disrupt RAD50 protein function. ClinVar contains an entry for this variant (Variation ID: 938956). This variant has not been reported in the literature in individuals affected with RAD50-related conditions. This variant is not present in population databases (gnomAD no frequency). This sequence change replaces asparagine, which is neutral and polar, with aspartic acid, which is acidic and polar, at codon 153 of the RAD50 protein (p.Asn153Asp).

Blueprint Genetics
Classification: Uncertain significance. Last evaluated: 2021-09-15. Review status: criteria provided, single submitter. Criteria: ACMG Guidelines, 2015. Collection method: clinical testing. Allele origin: germline.

NM_005732.4(RAD50):c.457A>G (p.Asn153Asp)

Gene: RAD50 (RAD50 double strand break repair protein; plus strand). Cytogenetic location: 5q31.1.
Variant type: single nucleotide variant.
Coding change: c.457A>G on transcript NM_005732.4 (MANE Select); coding-DNA position 457, A replaced by G.
Protein change: p.Asn153Asp; replaces asparagine 153 with aspartic acid.
Molecular consequence: missense variant.
Genome position (GRCh38, 1-based): chr5:132,579,408, A>G. VCF-style: chr5-132579408-A-G. GRCh37 (hg19) VCF-style: chr5-131915100-A-G.
Other names: short protein forms N153D.
Identifiers: ClinVar variation 938956 (VCV000938956.10), dbSNP rs1750462712, ClinGen allele CA360934238.
Genomic context (GRCh38, chr5:132,579,408, plus strand): 5'-TGTGCAGAAATTGACCGAGAAATGATCAGTTCTCTTGGGGTTTCCAAGGCTGTGCTAAAT[A>G]ATGTCATTTTCTGTCATCAAGAAGATTCTAATTGGCCTTTAAGTGAAGGAAAGGCTTTGA-3'
Protein context (NP_005723.2, residues 143-163): SLGVSKAVLN[Asn153Asp]VIFCHQEDSN